The following is an entry in ClinVar:

ClinVar aggregate classification (germline): Uncertain significance (1 of 4 stars; one submission).

Allele frequency attached by ClinVar (database versions not stated): TOPMed 0.00001.

Submission:

Labcorp Genetics (formerly Invitae), Labcorp
Classification: Uncertain significance. Last evaluated: 2022-07-09. Review status: criteria provided, single submitter. Criteria: Invitae Variant Classification Sherloc (09022015). Collection method: clinical testing. Allele origin: germline.
Comment: In summary, the available evidence is currently insufficient to determine the role of this variant in disease. Therefore, it has been classified as a Variant of Uncertain Significance. Advanced modeling of protein sequence and biophysical properties (such as structural, functional, and spatial information, amino acid conservation, physicochemical variation, residue mobility, and thermodynamic stability) performed at Invitae indicates that this missense variant is not expected to disrupt EBP protein function. This variant has not been reported in the literature in individuals affected with EBP-related conditions. This variant is not present in population databases (gnomAD no frequency). This sequence change replaces asparagine, which is neutral and polar, with serine, which is neutral and polar, at codon 4 of the EBP protein (p.Asn4Ser).

NM_006579.3(EBP):c.11A>G (p.Asn4Ser)

Gene: EBP (EBP cholestenol delta-isomerase; plus strand). Cytogenetic location: Xp11.23.
Variant type: single nucleotide variant.
Coding change: c.11A>G on transcript NM_006579.3 (MANE Select); coding-DNA position 11, A replaced by G.
Protein change: p.Asn4Ser; replaces asparagine 4 with serine.
Molecular consequence: missense variant.
Genome position (GRCh38, 1-based): chrX:48,523,782, A>G. VCF-style: chrX-48523782-A-G. GRCh37 (hg19) VCF-style: chrX-48382170-A-G.
Other names: short protein forms N4S.
Identifiers: ClinVar variation 2093443 (VCV002093443.4), dbSNP rs1556977003, ClinGen allele CA412850688.